The following is an entry in ClinVar:

NM_000256.3(MYBPC3):c.1439A>G (p.Glu480Gly)

Gene: MYBPC3 (myosin binding protein C3; minus strand). Cytogenetic location: 11p11.2.
Variant type: single nucleotide variant.
Coding change: c.1439A>G on transcript NM_000256.3 (MANE Select); coding-DNA position 1439, A replaced by G.
Protein change: p.Glu480Gly; replaces glutamic acid 480 with glycine.
Molecular consequence: missense variant.
Genome position (GRCh38, 1-based): chr11:47,342,848, T>C on the plus strand (A>G on the coding strand, the complement: MYBPC3 is on the minus strand). VCF-style: chr11-47342848-T-C. GRCh37 (hg19) VCF-style: chr11-47364399-T-C.
Other names: short protein forms E480G.
Identifiers: ClinVar variation 955634 (VCV000955634.9), dbSNP rs2095890312, ClinGen allele CA380325569.
Genomic context (GRCh38, chr11:47,342,848, plus strand): 5'-CAGATGCCCCCAACACCCATGCCCCGTGCTTCTGGAACTCACCATTTGACTTGCGCCCCC[T>C]CCTCCGATACTTCACACTCAAACTCCACCCGCTGCCCCACCATCACCAGCTGGTCCTCCA-3'
Protein context (NP_000247.2, residues 470-490): RVEFECEVSE[Glu480Gly]GAQVKWLKDG

ClinVar aggregate classification (germline): Uncertain significance (1 of 4 stars; one submission).

Conditions:
Hypertrophic cardiomyopathy. Also called: HYPERTROPHIC MYOCARDIOPATHY. Identifiers: Orphanet 217569, MedGen C0007194, MeSH D002312, MONDO:0005045, HP:0001639.

Submission:

Labcorp Genetics (formerly Invitae), Labcorp
Classification: Uncertain significance for Hypertrophic cardiomyopathy. Last evaluated: 2023-04-18. Review status: criteria provided, single submitter. Criteria: Invitae Variant Classification Sherloc (09022015). Collection method: clinical testing. Allele origin: germline.
Comment: This sequence change replaces glutamic acid, which is acidic and polar, with glycine, which is neutral and non-polar, at codon 480 of the MYBPC3 protein (p.Glu480Gly). In summary, the available evidence is currently insufficient to determine the role of this variant in disease. Therefore, it has been classified as a Variant of Uncertain Significance. Algorithms developed to predict the effect of sequence changes on RNA splicing suggest that this variant may disrupt the consensus splice site. An algorithm developed to predict the effect of missense changes on protein structure and function (PolyPhen-2) suggests that this variant is likely to be tolerated. ClinVar contains an entry for this variant (Variation ID: 955634). This variant has not been reported in the literature in individuals affected with MYBPC3-related conditions. This variant is not present in population databases (gnomAD no frequency).